The following is an entry in ClinVar:

NM_001084.5(PLOD3):c.961C>A (p.Leu321Met)

Gene: PLOD3 (procollagen-lysine,2-oxoglutarate 5-dioxygenase 3; minus strand). Cytogenetic location: 7q22.1.
Variant type: single nucleotide variant.
Coding change: c.961C>A on transcript NM_001084.5 (MANE Select); coding-DNA position 961, C replaced by A.
Protein change: p.Leu321Met; replaces leucine 321 with methionine.
Molecular consequence: missense variant.
Genome position (GRCh38, 1-based): chr7:101,212,574, G>T on the plus strand (C>A on the coding strand, the complement: PLOD3 is on the minus strand). VCF-style: chr7-101212574-G-T. GRCh37 (hg19) VCF-style: chr7-100855855-G-T.
Other names: c.961C>A (NM_001084.4); short protein forms L321M.
Identifiers: ClinVar variation 1361118 (VCV001361118.8), dbSNP rs143194730, ClinGen allele CA4407923.

ClinVar aggregate classification (germline): Uncertain significance. Review status: criteria provided, single submitter (1 of 4 stars). 2 submissions from 2 submitters: Uncertain significance (1). 1 of the submissions does not count toward it. Last evaluated 2021-05-13.

Conditions:
PLOD3-related disorder. Also called: PLOD3-related condition.

gnomAD v4.1: 23 of 1,613,932 alleles (0.0014%); highest among the groups gnomAD compares: Non-Finnish European, 0.0019%; no homozygotes.

Submissions (2):

Labcorp Genetics (formerly Invitae), Labcorp
Classification: Uncertain significance. Last evaluated: 2021-05-13. Review status: criteria provided, single submitter. Criteria: Invitae Variant Classification Sherloc (09022015). Collection method: clinical testing. Allele origin: germline.
Comment: In summary, the available evidence is currently insufficient to determine the role of this variant in disease. Therefore, it has been classified as a Variant of Uncertain Significance. Algorithms developed to predict the effect of missense changes on protein structure and function are either unavailable or do not agree on the potential impact of this missense change (SIFT: "Tolerated"; PolyPhen-2: "Possibly Damaging"; Align-GVGD: "Class C0"). This variant has not been reported in the literature in individuals with PLOD3-related conditions. This variant is present in population databases (rs143194730, ExAC 0.002%). This sequence change replaces leucine with methionine at codon 321 of the PLOD3 protein (p.Leu321Met). The leucine residue is highly conserved and there is a small physicochemical difference between leucine and methionine.

PreventionGenetics, part of Exact Sciences
Classification: Uncertain significance for PLOD3-related condition. Last evaluated: 2024-03-27. Review status: no assertion criteria provided. Collection method: clinical testing. Allele origin: germline. Not counted in ClinVar's aggregate classification.
Comment: The PLOD3 c.961C>A variant is predicted to result in the amino acid substitution p.Leu321Met. To our knowledge, this variant has not been reported in the literature. This variant is reported in 0.0044% of alleles in individuals of European (Non-Finnish) descent in gnomAD. At this time, the clinical significance of this variant is uncertain due to the absence of conclusive functional and genetic evidence.